The following is an entry in ClinVar:

ClinVar aggregate classification (germline): Conflicting classifications of pathogenicity. Review status: criteria provided, conflicting classifications (1 of 4 stars). 2 submissions from 2 submitters: Uncertain significance (1); Likely benign (1). Last evaluated 2025-07-27.

Allele frequency attached by ClinVar (database versions not stated): TOPMed 0.00006; gnomAD 0.00013; ExAC 0.00045; gnomAD exomes 0.00012.
gnomAD v4.1: 74 of 1,448,502 alleles (0.0051%); highest among the groups gnomAD compares: Middle Eastern, 0.025%; no homozygotes.

Submissions (2):

Labcorp Genetics (formerly Invitae), Labcorp
Classification: Likely benign. Last evaluated: 2025-07-27. Review status: criteria provided, single submitter. Criteria: Invitae Variant Classification Sherloc (09022015). Collection method: clinical testing. Allele origin: germline.

Laboratory for Molecular Medicine, Mass General Brigham Personalized Medicine
Classification: Uncertain significance. Last evaluated: 2012-04-27. Review status: criteria provided, single submitter. Criteria: LMM Criteria. Collection method: clinical testing. Allele origin: germline. Observed: 1 variant allele.
Comment: The 145-13C>T variant (CTF1) has not been reported in the literature nor previou sly identified by our laboratory. This variant is located in the 3' splice regio n. Computational tools do not predict altered splicing; however, this informatio n is not predictive enough to rule out pathogenicity. Additional studies are nee ded to fully assess the clinical significance of the 145-13C>T variant.

NM_001330.5(CTF1):c.145-13C>T

Genes: CTF1 (cardiotrophin 1; plus strand), LOC130058878 (ATAC-STARR-seq lymphoblastoid silent region 7400; plus strand). Cytogenetic location: 16p11.2.
Variant type: single nucleotide variant.
Coding change: c.145-13C>T on transcript NM_001330.5 (MANE Select); 13 bases into the intron before coding-DNA position 145, C replaced by T.
Molecular consequence: intron variant.
Genome position (GRCh38, 1-based): chr16:30,902,065, C>T. VCF-style: chr16-30902065-C-T. GRCh37 (hg19) VCF-style: chr16-30913386-C-T.
Other names: c.142-13C>T (NM_001142544.3).
Identifiers: ClinVar variation 44175 (VCV000044175.9), dbSNP rs397516646, ClinGen allele CA133718.
Genomic context (GRCh38, chr16:30,902,065, plus strand): 5'-GTTGGAGAGCCCAGTTAACAGCCCCCTGCCCGTGCTCCGGGGCCCCGCTGACCCGCCGGC[C>T]GTGTCTCCGCAGGTGCAGCTCCAGGGAGACCCCTTCGGGCTGCCCAGCTTCTCGCCGCCG-3'